The following is an entry in ClinVar:

ClinVar aggregate classification (germline): Conflicting classifications of pathogenicity. Review status: criteria provided, conflicting classifications (1 of 4 stars). 2 submissions from 2 submitters: Pathogenic (1); Uncertain significance (1). Last evaluated 2023-09-01.

Conditions:
Pheochromocytoma. Also called: MAX-Related Hereditary Paraganglioma-Pheochromocytoma Syndrome. Identifiers: Orphanet 29072, MedGen C0031511, MONDO:0008233, OMIM 171300, HP:0002666.

Allele frequency attached by ClinVar (database versions not stated): TOPMed 0.00001; ESP Exome Variant Server 0.00008.
gnomAD v4.1: 15 of 1,611,738 alleles (0.00093%); highest among the groups gnomAD compares: Non-Finnish European, 0.0011%; no homozygotes.

Submissions (2):

CeGaT Center for Human Genetics Tuebingen
Classification: Pathogenic. Last evaluated: 2023-09-01. Review status: criteria provided, single submitter. Criteria: CeGaT Center For Human Genetics Tuebingen Variant Classification Criteria Version 2. Collection method: clinical testing. Allele origin: germline. Affected: yes. Observed: 1 variant allele.
Comment: MAX: PVS1, PM2

Department of Pathology and Laboratory Medicine, Sinai Health System
Classification: Uncertain significance for Pheochromocytoma. Last evaluated: 2023-02-16. Review status: criteria provided, single submitter. Criteria: ACMG Guidelines, 2015. Collection method: research. Allele origin: germline.

NM_001271069.2(MAX):c.186T>G (p.Tyr62Ter)

Genes: CHURC1-FNTB (CHURC1-FNTB readthrough; plus strand), FNTB (farnesyltransferase, CAAX box, subunit beta; plus strand), MAX (MYC associated transcriptional regulator X; minus strand), LOC126861966 (MED14-independent group 3 enhancer GRCh37_chr14:65471811-65473010; plus strand). Cytogenetic location: 14q23.3.
Variant type: single nucleotide variant.
Coding change: c.186T>G on transcript NM_001271069.2; coding-DNA position 186, T replaced by G.
Protein change: p.Tyr62Ter; replaces tyrosine 62 with a stop codon.
Molecular consequence: nonsense. On other transcripts: intron variant (3).
Genome position (GRCh38, 1-based): chr14:65,006,243, A>C on the plus strand (T>G on the coding strand, the complement: MAX is on the minus strand). VCF-style: chr14-65006243-A-C. GRCh37 (hg19) VCF-style: chr14-65472961-A-C.
Other names: c.213T>G, p.Tyr71Ter (NM_197957.4); c.392+1930A>C (NM_001202559.1); c.71+1930A>C (NM_001202558.2); c.209+1930A>C (NM_002028.4); short protein forms Y62*, Y71*.
Identifiers: ClinVar variation 2582922 (VCV002582922.24), dbSNP rs143291877, ClinGen allele CA7232364.